The following is an entry in ClinVar:

NM_012418.4(FSCN2):c.583C>T (p.Arg195Cys)

Gene: FSCN2 (fascin actin-bundling protein 2, retinal; plus strand). Cytogenetic location: 17q25.3.
Variant type: single nucleotide variant.
Coding change: c.583C>T on transcript NM_012418.4 (MANE Select); coding-DNA position 583, C replaced by T.
Protein change: p.Arg195Cys; replaces arginine 195 with cysteine.
Molecular consequence: missense variant.
Genome position (GRCh38, 1-based): chr17:81,529,114, C>T. VCF-style: chr17-81529114-C-T. GRCh37 (hg19) VCF-style: chr17-79496140-C-T.
Other names: c.583C>T, p.Arg195Cys (NM_001077182.3); c.583C>T (NM_001077182.2); short protein forms R195C.
Identifiers: ClinVar variation 1044452 (VCV001044452.7), dbSNP rs782678352, ClinGen allele CA8836723.

ClinVar aggregate classification (germline): Uncertain significance. Review status: criteria provided, multiple submitters, no conflicts (2 of 4 stars). 2 submissions from 2 submitters: Uncertain significance (2). Last evaluated 2025-05-30.

Allele frequency attached by ClinVar (database versions not stated): gnomAD exomes 0.00005; ExAC 0.00007; TOPMed 0.00007.
gnomAD v4.1: 73 of 1,584,516 alleles (0.0046%); highest among the groups gnomAD compares: Middle Eastern, 0.033%; no homozygotes.

Submissions (2):

Labcorp Genetics (formerly Invitae), Labcorp
Classification: Uncertain significance. Last evaluated: 2025-05-30. Review status: criteria provided, single submitter. Criteria: Invitae Variant Classification Sherloc (09022015). Collection method: clinical testing. Allele origin: germline.
Comment: This sequence change replaces arginine, which is basic and polar, with cysteine, which is neutral and slightly polar, at codon 195 of the FSCN2 protein (p.Arg195Cys). This variant is present in population databases (rs782678352, gnomAD 0.07%), and has an allele count higher than expected for a pathogenic variant. This variant has not been reported in the literature in individuals affected with FSCN2-related conditions. ClinVar contains an entry for this variant (Variation ID: 1044452). An algorithm developed to predict the effect of missense changes on protein structure and function outputs the following: PolyPhen-2: "Benign". The cysteine amino acid residue is found in multiple mammalian species, which suggests that this missense change does not adversely affect protein function. In summary, the available evidence is currently insufficient to determine the role of this variant in disease. Therefore, it has been classified as a Variant of Uncertain Significance.

Ambry Genetics
Classification: Uncertain significance. Last evaluated: 2024-10-30. Review status: criteria provided, single submitter. Criteria: Ambry Variant Classification Scheme 2023. Collection method: clinical testing. Allele origin: germline.